The following is an entry in ClinVar:

NM_001083962.2(TCF4):c.507_510del (p.Thr170fs)

Gene: TCF4 (transcription factor 4; minus strand). Cytogenetic location: 18q21.2.
Variant type: Deletion.
Coding change: c.507_510del on transcript NM_001083962.2 (MANE Select); coding-DNA positions 507 to 510, 4 bases deleted (GACA; older notation c.507_510delGACA).
Protein change: p.Thr170fs; shifts the reading frame from threonine 170.
Molecular consequence: frameshift variant.
Genome position (GRCh38, 1-based): chr18:55,350,398-55,350,401, TGTC deleted on the plus strand (GACA on the coding strand, the reverse complement: TCF4 is on the minus strand); deleting any 4 consecutive bases within chr18:55,350,398-55,350,404 gives the same sequence; the c. name uses the placement nearest the transcript's 3' end. VCF-style (leftmost placement, unchanged base first): chr18-55350397-TTGTC-T. GRCh37 (hg19) VCF-style: chr18-53017628-TTGTC-T.
Other names: c.432_435del, p.Thr145fs (NM_001369578.1, NM_001369581.1, NM_001369584.1 and 3 more transcripts); c.435_438del, p.Thr146fs (NM_001369579.1, NM_001369580.1, NM_001369582.1 and 9 more transcripts); c.507_510del, p.Thr170fs (NM_003199.3, NM_001243228.2, NM_001330604.3 and 5 more transcripts); c.813_816del, p.Thr272fs (NM_001243226.3); c.501_504del, p.Thr168fs (NM_001243230.2); c.381_384del, p.Thr128fs (NM_001243231.2, NM_001348211.2); c.294_297del, p.Thr99fs (NM_001243232.1, NM_001306208.1); c.117_120del, p.Thr40fs (NM_001243233.2, NM_001330605.3, NM_001348212.2 and 1 more transcripts); and 1 more; short protein forms T128fs, T145fs, T146fs, T168fs, T169fs, T170fs, T272fs, T40fs.
Identifiers: ClinVar variation 5016848 (VCV005016848.1).

ClinVar aggregate classification (germline): Pathogenic (1 of 4 stars; one submission).

Submission:

GeneDx
Classification: Pathogenic. Last evaluated: 2026-03-26. Review status: criteria provided, single submitter. Criteria: GeneDx Variant Classification Process June 2021. Collection method: clinical testing. Allele origin: germline.
Comment: Frameshift variant predicted to result in protein truncation or nonsense mediated decay in a gene for which loss of function is a known mechanism of disease; Not observed at significant frequency in large population cohorts (gnomAD); Has not been previously published as pathogenic or benign to our knowledge